The following is an entry in ClinVar:

NM_001571.6(IRF3):c.52C>A (p.Leu18Met)

Gene: IRF3 (interferon regulatory factor 3; minus strand). Cytogenetic location: 19q13.33.
Variant type: single nucleotide variant.
Coding change: c.52C>A on transcript NM_001571.6 (MANE Select); coding-DNA position 52, C replaced by A.
Protein change: p.Leu18Met; replaces leucine 18 with methionine.
Molecular consequence: missense variant. On other transcripts: non-coding transcript variant (1), intron variant (5).
Genome position (GRCh38, 1-based): chr19:49,664,787, G>T on the plus strand (C>A on the coding strand, the complement: IRF3 is on the minus strand). VCF-style: chr19-49664787-G-T. GRCh37 (hg19) VCF-style: chr19-50168044-G-T.
Other names: c.52C>A, p.Leu18Met (NM_001197122.2, NM_001197124.2); c.-102+844C>A (NM_001197128.2, NM_001197126.2); c.-274+844C>A (NM_001197127.2, NM_001197125.2); c.-171-114C>A (NM_001197123.2); short protein forms L18M.
Identifiers: ClinVar variation 3765751 (VCV003765751.1).

ClinVar aggregate classification (germline): Uncertain significance (1 of 4 stars; one submission).

Submission:

Greenwood Genetic Center Diagnostic Laboratories, Greenwood Genetic Center
Classification: Uncertain significance. Last evaluated: 2024-11-07. Review status: criteria provided, single submitter. Criteria: ACMG Guidelines, 2015. Collection method: clinical testing. Allele origin: germline. Affected: yes.
Comment: PM2